The following is an entry in ClinVar:

NM_000368.5(TSC1):c.2209-9C>G

Gene: TSC1 (TSC complex subunit 1; minus strand). Cytogenetic location: 9q34.13.
Variant type: single nucleotide variant.
Coding change: c.2209-9C>G on transcript NM_000368.5 (MANE Select); 9 bases into the intron before coding-DNA position 2209, C replaced by G.
Molecular consequence: intron variant.
Genome position (GRCh38, 1-based): chr9:132,902,796, G>C on the plus strand (C>G on the coding strand, the complement: TSC1 is on the minus strand). VCF-style: chr9-132902796-G-C. GRCh37 (hg19) VCF-style: chr9-135778183-G-C.
Other names: c.1846-9C>G (NM_001362177.2); c.2056-9C>G (NM_001162427.2); c.2206-9C>G (NM_001162426.2).
Identifiers: ClinVar variation 207615 (VCV000207615.29), dbSNP rs118203660, ClinGen allele CA031961.

ClinVar aggregate classification (germline): Conflicting classifications of pathogenicity. Review status: criteria provided, conflicting classifications (1 of 4 stars). 10 submissions from 9 submitters: Uncertain significance (1); Benign (2); Likely benign (7). Last evaluated 2026-04-07.

Conditions:
Hereditary cancer-predisposing syndrome. Also called: Hereditary Cancer Syndrome; Tumor predisposition; Hereditary neoplastic syndrome; Neoplastic Syndromes, Hereditary. Identifiers: Orphanet 140162, MedGen C0027672, MeSH D009386, MONDO:0015356.
Tuberous sclerosis syndrome (TSC). Also called: Tuberous Sclerosis Complex; Tuberous sclerosis. Identifiers: Orphanet 805, MedGen C0041341, MONDO:0001734.
Isolated focal cortical dysplasia type II (FCORD2). Also called: CORTICAL DYSPLASIA OF TAYLOR; Focal cortical dysplasia type II. Identifiers: Orphanet 268994, MedGen C1846385, MONDO:0011818, OMIM 607341, HP:0032051.
Tuberous sclerosis 1 (TSC1). Identifiers: Orphanet 805, MedGen C1854465, MONDO:0008612, OMIM 191100.

Allele frequency attached by ClinVar (database versions not stated): ExAC 0.00006; gnomAD exomes 0.00012 and 0.00006; ESP Exome Variant Server 0.00008; TOPMed 0.00009; gnomAD 0.00007.
gnomAD v4.1: 188 of 1,612,866 alleles (0.012%); highest among the groups gnomAD compares: Non-Finnish European, 0.015%; no homozygotes.

Submissions (10):

Dasa
Classification: Likely benign. Last evaluated: 2026-04-07. Review status: criteria provided, single submitter. Criteria: DASA Assertion Criteria. Collection method: clinical testing. Allele origin: germline.
Comment: NM_000368.5(TSC1):c.2209-9C>G is a splice-region variant. Computational prediction algorithms are consistent with a benign effect. Therefore, based on the currently available evidence, this variant is classified as likely benign.

Labcorp Genetics (formerly Invitae), Labcorp
Classification: Benign for Tuberous sclerosis 1. Last evaluated: 2026-01-24. Review status: criteria provided, single submitter. Criteria: Invitae Variant Classification Sherloc (09022015). Collection method: clinical testing. Allele origin: germline.

Myriad Genetics, Inc.
Classification: Likely benign for Tuberous sclerosis 1. Last evaluated: 2025-04-24. Review status: criteria provided, single submitter. Criteria: Myriad Autosomal Dominant, Autosomal Recessive and X-Linked Classification Criteria (2023). Collection method: clinical testing. Allele origin: unknown.
Comment: This variant is considered likely benign. This variant is intronic and is not expected to impact mRNA splicing. This variant has been observed at a population frequency that is significantly greater than expected given the associated disease prevalence and penetrance.

Color Diagnostics, LLC DBA Color Health
Classification: Benign for Tuberous sclerosis syndrome. Last evaluated: 2023-04-17. Review status: criteria provided, single submitter. Criteria: ACMG Guidelines, 2015. Collection method: clinical testing. Allele origin: germline.

Genome-Nilou Lab
Classification: Likely benign for Tuberous sclerosis 1. Last evaluated: 2021-11-07. Review status: criteria provided, single submitter. Criteria: ACMG Guidelines, 2015. Collection method: clinical testing. Allele origin: germline. Affected: no.

Sema4
Classification: Likely benign for Hereditary cancer-predisposing syndrome. Last evaluated: 2021-01-29. Review status: criteria provided, single submitter. Criteria: Sema4 Curation Guidelines. Collection method: curation. Allele origin: germline.

GeneDx
Classification: Likely benign. Last evaluated: 2021-01-15. Review status: criteria provided, single submitter. Criteria: GeneDx Variant Classification Process June 2021. Collection method: clinical testing. Allele origin: germline. Affected: yes.
Comment: This variant is associated with the following publications: (PMID: 17304050)

Illumina Laboratory Services, Illumina
Classification: Likely benign for Isolated focal cortical dysplasia type II. Last evaluated: 2018-01-13. Review status: criteria provided, single submitter. Criteria: ICSL Variant Classification Criteria 13 December 2019. Collection method: clinical testing. Allele origin: germline.
Comment: This variant was observed in the ICSL laboratory as part of a predisposition screen in an ostensibly healthy population. It had not been previously curated by ICSL or reported in the Human Gene Mutation Database (HGMD: prior to June 1st, 2018), and was therefore a candidate for classification through an automated scoring system. Utilizing variant allele frequency, disease prevalence and penetrance estimates, and inheritance mode, an automated score was calculated to assess if this variant is too frequent to cause the disease. Based on the score and internal cut-off values, a variant classified as likely benign is not then subjected to further curation. The score for this variant resulted in a classification of likely benign for this disease.

Illumina Laboratory Services, Illumina
Classification: Uncertain significance for Tuberous sclerosis 1. Last evaluated: 2018-01-13. Review status: criteria provided, single submitter. Criteria: ICSL Variant Classification Criteria 13 December 2019. Collection method: clinical testing. Allele origin: germline.

PreventionGenetics, part of Exact Sciences
Classification: Likely benign. Review status: criteria provided, single submitter. Criteria: ACMG Guidelines, 2015. Collection method: clinical testing. Allele origin: germline.